The following is an entry in ClinVar:

NM_018139.3(DNAAF2):c.1931_1932delinsGT (p.Lys644Ser)

Gene: DNAAF2 (dynein axonemal assembly factor 2; minus strand). Cytogenetic location: 14q21.3.
Variant type: Indel.
Coding change: c.1931_1932delinsGT on transcript NM_018139.3 (MANE Select); coding-DNA positions 1931 to 1932, AA replaced by GT.
Protein change: p.Lys644Ser; replaces lysine 644 with serine.
Molecular consequence: missense variant. On other transcripts: intron variant (2).
Genome position (GRCh38, 1-based): chr14:49,628,087-49,628,088, TT replaced by AC on the plus strand (AA replaced by GT on the coding strand, the reverse complement: DNAAF2 is on the minus strand). VCF-style: chr14-49628087-TT-AC. GRCh37 (hg19) VCF-style: chr14-50094805-TT-AC.
Other names: c.1931_1932delAAinsGT (NM_018139.2); c.1931_1932delinsGT (NM_018139.2); c.1864-2040_1864-2039delinsGT (NM_001083908.2); c.-204-2040_-204-2039delinsGT (NM_001378453.1); short protein forms K644S.
Identifiers: ClinVar variation 1374801 (VCV001374801.9), dbSNP rs2139574212, ClinGen allele CA2573149914.

ClinVar aggregate classification (germline): Uncertain significance. Review status: criteria provided, multiple submitters, no conflicts (2 of 4 stars). 3 submissions from 3 submitters: Uncertain significance (3). Last evaluated 2024-11-22.

Conditions:
Primary ciliary dyskinesia. Also called: Ciliary dyskinesia. Identifiers: Orphanet 244, MedGen C0008780, MONDO:0016575, HP:0012265.

Submissions (3):

Ambry Genetics
Classification: Uncertain significance for Primary ciliary dyskinesia. Last evaluated: 2024-11-22. Review status: criteria provided, single submitter. Criteria: Ambry Variant Classification Scheme 2023. Collection method: clinical testing. Allele origin: germline.
Comment: The c.1931_1932delAAinsGT variant (also known as p.K644S), located in coding exon 2 of the DNAAF2 gene, results from an in-frame deletion of AA and insertion of GT between nucleotide positions 1931 and 1932. This results in the substitution of the lysine residue for a serine residue at codon 644, an amino acid with dissimilar properties. This amino acid position is poorly conserved in available vertebrate species. In addition, this alteration is predicted to be neutral by in silico analysis (Choi Y et al. PLoS ONE. 2012; 7(10):e46688). Since supporting evidence is limited at this time, the clinical significance of this variant remains unclear.

Molecular Genetics McLendon Clinical Laboratories, University of North Carolina at Chapel Hill
Classification: Uncertain significance for Primary ciliary dyskinesia. Last evaluated: 2022-12-01. Review status: criteria provided, single submitter. Criteria: ACMG Guidelines, 2015. Collection method: clinical testing. Allele origin: germline.

Labcorp Genetics (formerly Invitae), Labcorp
Classification: Uncertain significance for Primary ciliary dyskinesia. Last evaluated: 2022-06-15. Review status: criteria provided, single submitter. Criteria: Invitae Variant Classification Sherloc (09022015). Collection method: clinical testing. Allele origin: germline.
Comment: This sequence change replaces lysine, which is basic and polar, with serine, which is neutral and polar, at codon 644 of the DNAAF2 protein (p.Lys644Ser). This variant is present in population databases (no rsID available, gnomAD 0.4%). This variant has not been reported in the literature in individuals affected with DNAAF2-related conditions. Algorithms developed to predict the effect of missense changes on protein structure and function are either unavailable or do not agree on the potential impact of this missense change (SIFT: "Not Available"; PolyPhen-2: "Benign"; Align-GVGD: "Not Available"). Algorithms developed to predict the effect of sequence changes on RNA splicing suggest that this variant may create or strengthen a splice site. In summary, the available evidence is currently insufficient to determine the role of this variant in disease. Therefore, it has been classified as a Variant of Uncertain Significance.